The following is an entry in ClinVar:

ClinVar aggregate classification (germline): Conflicting classifications of pathogenicity. Review status: criteria provided, conflicting classifications (1 of 4 stars). 2 submissions from 2 submitters: Uncertain significance (1); Likely benign (1). Last evaluated 2025-10-18.

Conditions:
Neuropathy, hereditary sensory and autonomic, type 2A (HSAN2A). Also called: WNK1-Related HSAN2 (HSAN2A); MORVAN DISEASE; NEUROPATHY, CONGENITAL SENSORY; NEUROPATHY, HEREDITARY SENSORY RADICULAR, AUTOSOMAL RECESSIVE; NEUROPATHY, HEREDITARY SENSORY, TYPE IIA; NEUROPATHY, PROGRESSIVE SENSORY, OF CHILDREN. Identifiers: Orphanet 970, MedGen C2752089, MONDO:0024309, OMIM 201300.
Generalized epilepsy with febrile seizures plus, type 7 (GEFSP7). Also called: GEFS+, TYPE 7. Identifiers: Orphanet 36387, MedGen C2751778, MONDO:0013470, OMIM 613863.

Allele frequency attached by ClinVar (database versions not stated): gnomAD 0.00003; TOPMed 0.00007; 1000 Genomes Project 30x 0.00016; 1000 Genomes Project 0.00020.
gnomAD v4.1: 144 of 1,614,018 alleles (0.0089%); highest among the groups gnomAD compares: East Asian, 0.32%; 1 homozygote.

Submissions (2):

Mayo Clinic Laboratories, Mayo Clinic
Classification: Uncertain significance. Last evaluated: 2025-10-18. Review status: criteria provided, single submitter. Criteria: ACMG Guidelines, 2015. Collection method: clinical testing. Allele origin: germline. Observed: 1 variant allele.
Comment: BS1, PP3

Labcorp Genetics (formerly Invitae), Labcorp
Classification: Likely benign for Neuropathy, hereditary sensory and autonomic, type 2A; Generalized epilepsy with febrile seizures plus, type 7. Last evaluated: 2025-06-17. Review status: criteria provided, single submitter. Criteria: Invitae Variant Classification Sherloc (09022015). Collection method: clinical testing. Allele origin: germline.

Literature cited by the submitters: PubMed 29924869 (cited by Mayo Clinic Laboratories, Mayo Clinic); PubMed 38999942 (cited by Mayo Clinic Laboratories, Mayo Clinic).

NM_001365536.1(SCN9A):c.1818T>G (p.Ser606Arg)

Genes: SCN9A (sodium voltage-gated channel alpha subunit 9; minus strand), SCN1A-AS1 (SCN1A and SCN9A antisense RNA 1; plus strand). Cytogenetic location: 2q24.3.
Variant type: single nucleotide variant.
Coding change: c.1818T>G on transcript NM_001365536.1 (MANE Select); coding-DNA position 1818, T replaced by G.
Protein change: p.Ser606Arg; replaces serine 606 with arginine.
Molecular consequence: missense variant.
Genome position (GRCh38, 1-based): chr2:166,284,609, A>C on the plus strand (T>G on the coding strand, the complement: SCN9A is on the minus strand). VCF-style: chr2-166284609-A-C. GRCh37 (hg19) VCF-style: chr2-167141119-A-C.
Other names: p.Ser606Arg; c.1818T>G, p.Ser606Arg (NM_002977.4); short protein forms S606R.
Identifiers: ClinVar variation 565685 (VCV000565685.10), dbSNP rs202141567, ClinGen allele CA1944426.
Genomic context (GRCh38, chr2:166,284,609, plus strand): 5'-ACCGTTGCAGTCCACAGCACTGTGCATTTTCCCGTTCACCGGCAGCATTGGTGGGGACCT[A>C]CTGGCTTGGCTGATGTTACTGCTGCGTCGCTCCTGGGGTCTGTGGGGCACAAACAGTGAG-3'
Protein context (NP_001352465.1, residues 596-616): ERRSSNISQA[Ser606Arg]RSPPMLPVNG